The following is an entry in ClinVar:

NM_032141.4(NSRP1):c.2T>C (p.Met1Thr)

Genes: NSRP1 (nuclear speckle splicing regulatory protein 1; plus strand), LOC126862529 (BRD4-independent group 4 enhancer GRCh37_chr17:28443345-28444544; plus strand). Cytogenetic location: 17q11.2.
Variant type: single nucleotide variant.
Coding change: c.2T>C on transcript NM_032141.4 (MANE Select); coding-DNA position 2, T replaced by C.
Protein change: p.Met1Thr; changes the start codon (methionine 1).
Molecular consequence: missense variant, initiator codon variant. On other transcripts: 5 prime UTR variant (1).
Genome position (GRCh38, 1-based): chr17:30,116,845, T>C. VCF-style: chr17-30116845-T-C. GRCh37 (hg19) VCF-style: chr17-28443863-T-C.
Other names: c.-67T>C (NM_001261467.2); short protein forms M1T.
Identifiers: ClinVar variation 3233675 (VCV003233675.2), dbSNP rs773958282, ClinGen allele CA8479556.

ClinVar aggregate classification (germline): Uncertain significance (1 of 4 stars; one submission).

Allele frequency attached by ClinVar (database versions not stated): gnomAD 0.00013; ExAC 0.00014; TOPMed 0.00016.

Submission:

Women's Health and Genetics/Laboratory Corporation of America, LabCorp
Classification: Uncertain significance. Last evaluated: 2024-03-28. Review status: criteria provided, single submitter. Criteria: LabCorp Variant Classification Summary - May 2015. Collection method: clinical testing. Allele origin: germline.
Comment: Variant summary: NSRP1 c.2T>C (p.Met1Thr) alters the initiation codon and is predicted to result either in absence of the protein or truncation of the encoded protein due to translation initiation at a downstream codon. Four of four in-silico tools predict a damaging effect of the variant on protein function. The variant allele was found at a frequency of 0.00012 in 190150 control chromosomes. This frequency is not significantly higher than estimated for a pathogenic variant in NSRP1 causing Neurodevelopmental Disorder With Spasticity, Seizures, And Brain Abnormalities, allowing no conclusion about variant significance. To our knowledge, no occurrence of c.2T>C in individuals affected with Neurodevelopmental Disorder With Spasticity, Seizures, And Brain Abnormalities and no experimental evidence demonstrating its impact on protein function have been reported. No submitters have cited clinical-significance assessments for this variant to ClinVar. Based on the evidence outlined above, the variant was classified as uncertain significance.